The following is an entry in ClinVar:

ClinVar aggregate classification (germline): Uncertain significance (1 of 4 stars; one submission).

Conditions:
Hereditary cancer-predisposing syndrome. Also called: Neoplastic Syndromes, Hereditary; Tumor predisposition; Hereditary neoplastic syndrome; Hereditary Cancer Syndrome. Identifiers: Orphanet 140162, MedGen C0027672, MeSH D009386, MONDO:0015356.

Submission:

Ambry Genetics
Classification: Uncertain significance for Hereditary cancer-predisposing syndrome. Last evaluated: 2023-01-23. Review status: criteria provided, single submitter. Criteria: Ambry Variant Classification Scheme 2023. Collection method: clinical testing. Allele origin: germline.
Comment: The p.S128P variant (also known as c.382T>C), located in coding exon 4 of the BRIP1 gene, results from a T to C substitution at nucleotide position 382. The serine at codon 128 is replaced by proline, an amino acid with similar properties. This amino acid position is conserved. In addition, this alteration is predicted to be tolerated by in silico analysis. Since supporting evidence is limited at this time, the clinical significance of this alteration remains unclear.

NM_032043.3(BRIP1):c.382T>C (p.Ser128Pro)

Gene: BRIP1 (BRCA1 interacting DNA helicase 1; minus strand). Cytogenetic location: 17q23.2.
Variant type: single nucleotide variant.
Coding change: c.382T>C on transcript NM_032043.3 (MANE Select); coding-DNA position 382, T replaced by C.
Protein change: p.Ser128Pro; replaces serine 128 with proline.
Molecular consequence: missense variant.
Genome position (GRCh38, 1-based): chr17:61,849,254, A>G on the plus strand (T>C on the coding strand, the complement: BRIP1 is on the minus strand). VCF-style: chr17-61849254-A-G. GRCh37 (hg19) VCF-style: chr17-59926615-A-G.
Other names: short protein forms S128P.
Identifiers: ClinVar variation 2449934 (VCV002449934.2), dbSNP rs2145766944, ClinGen allele CA400484612.
Genomic context (GRCh38, chr17:61,849,254, plus strand): 5'-TGTATATGGATGCCTGTTTCTTAGCAGATAACTTTGCAGCCAGAGTGGTTTTTTCAGGGG[A>G]GTCTTATATAAGTAATTTAAAAAAAACAGCATAAATAACTTACAGGTAGGCAATTTTTCT-3'
Protein context (NP_114432.2, residues 118-138): RNGTSSTCQD[Ser128Pro]PEKTTLAAKL